The following is an entry in ClinVar:

NM_021871.4(FGA):c.1653del (p.Gly552fs)

Gene: FGA (fibrinogen alpha chain; minus strand). Cytogenetic location: 4q31.3.
Variant type: Deletion.
Coding change: c.1653del on transcript NM_021871.4 (MANE Select); coding-DNA position 1653, one base deleted (T; older notation c.1653delT).
Protein change: p.Gly552fs; shifts the reading frame from glycine 552.
Molecular consequence: frameshift variant.
Genome position (GRCh38, 1-based): chr4:154,585,776, A deleted on the plus strand (T on the coding strand, the reverse complement: FGA is on the minus strand). VCF-style (leftmost placement, unchanged base first): chr4-154585775-CA-C. GRCh37 (hg19) VCF-style: chr4-155506927-CA-C.
Other names: c.1653delT (NM_000508.4, NM_021871.4); c.1653del, p.Gly552fs (NM_000508.5); short protein forms G552fs.
Identifiers: ClinVar variation 1322897 (VCV001322897.14), dbSNP rs773619297, ClinGen allele CA3115057.

ClinVar aggregate classification (germline): Pathogenic/Likely pathogenic. Review status: criteria provided, multiple submitters, no conflicts (2 of 4 stars). 8 submissions from 8 submitters: Pathogenic (1); Likely pathogenic (7). Last evaluated 2025-10-14.

Conditions:
Congenital factor V deficiency. Also called: LABILE FACTOR DEFICIENCY; OWREN PARAHEMOPHILIA; PARAHEMOPHILIA; Hereditary factor V deficiency disease. Identifiers: Orphanet 326, MedGen C0015499, MONDO:0009210, OMIM 227400.
Familial dysfibrinogenemia. Also called: Dysfibrinogenemia, congenital. Identifiers: Orphanet 335, Orphanet 98881, MedGen C0272350, MONDO:0014452, OMIM 616004.
Familial visceral amyloidosis, Ostertag type (AMYLD2). Also called: Ostertag type amyloidosis; Familial visceral amyloidosis; Amyloidosis, hepatic and systemic; Hereditary Renal Amyloidosis; AMYLOIDOSIS, HEREDITARY SYSTEMIC 2; AMYLOIDOSIS VIII. Identifiers: Orphanet 85450, MedGen C0268389, MONDO:0007099, OMIM 105200.
FGA-related disorder. Also called: FGA-related disorders; FGA-related condition.

Allele frequency attached by ClinVar (database versions not stated): gnomAD 0.00002 and 0.00003; gnomAD exomes 0.00003 and 0.00009; TOPMed 0.00005; ExAC 0.00009.

Submissions (8):

Rady Children's Institute for Genomic Medicine, Rady Children's Hospital San Diego
Classification: Likely pathogenic for FGA-related disorders. Last evaluated: 2025-10-14. Review status: criteria provided, single submitter. Criteria: ACMG Guidelines, 2015. Collection method: clinical testing. Allele origin: germline. Affected: yes.
Comment: This frameshift variant is found in the last exon of FGA, therefore the resulting mRNA is predicted to escape nonsense-mediated decay. However, frameshift variants located downstream of this variant have been reported as disease-causing variants in the literature (PMID: 35488806, 21245743). Loss-of-function variation in FGA is an established mechanism of disease (PMID: 40099427, 39417966). This variant has been previously reported as a heterozygous change in patients with hypodysfibrinogenemia and hemorrhages (PMID: 26879396, 33527515). The c.1653del (p.Gly552AlafsTer16) variant is present in the latest version of the gnomAD population database at an allele frequency of 0.003% (55/1614138), and is absent in the homozygous state. Based on the available evidence, c.1653del (p.Gly552AlafsTer16) is classified as Likely Pathogenic.

Dasa
Classification: Likely pathogenic. Last evaluated: 2025-09-13. Review status: criteria provided, single submitter. Criteria: DASA Assertion Criteria. Collection method: clinical testing. Allele origin: germline.
Comment: NM_021871.4(FGA):c.1653del (p.Gly552Alafs*16) is a frameshift variant in FGA predicted to alter the reading frame and introduce a premature termination codon and is predicted to result in an absent or altered protein product. Loss of function is an established disease mechanism for FGA-associated disorders. This variant has been recurrently observed in individuals with FGA-related disorders (PMID: 26879396; PMID: 37647632). Also, this variant is rare in population databases. Based on the currently available evidence, this variant is classified as likely pathogenic.

Genomic Medicine Center of Excellence, King Faisal Specialist Hospital and Research Centre
Classification: Likely pathogenic for Congenital factor V deficiency. Last evaluated: 2025-09-10. Review status: criteria provided, single submitter. Criteria: ACMG Guidelines, 2015. Collection method: clinical testing. Allele origin: germline.

Victorian Clinical Genetics Services, Murdoch Childrens Research Institute
Classification: Likely pathogenic for Familial visceral amyloidosis, Ostertag type. Last evaluated: 2025-08-03. Review status: criteria provided, single submitter. Criteria: ACMG Guidelines, 2015. Collection method: clinical testing. Allele origin: germline.
Comment: This variant is classified as Likely pathogenic. Evidence in support of pathogenic classification: Variant is predicted to result in a truncated protein (premature termination codon is NOT located at least 54 nucleotides upstream of the final exon-exon junction) with less than 1/3 of the protein sequence affected; Variant is present in gnomAD <0.01 (v4: 55 heterozygote(s), 0 homozygote(s)); This variant has moderate previous evidence of pathogenicity in unrelated individuals. This variant has been classified as likely pathogenic by clinical laboratories (ClinVar). This variant has been observed in a heterozygous individual affected with hypodysfibrinogenemia (PMID: 26879396); Other truncating variant(s) comparable to the one identified in this case have very strong previous evidence for pathogenicity (DECIPHER). Additional information: This variant is NMD-predicted in an alternative transcript (NM_000508.5); This variant is heterozygous; This gene is associated with both recessive and dominant disease. Premature termination variants (PTVs) located downstream of ~p.500 are generally associated with autosomal dominant familial visceral amyloidosis (MIM#105200). Congenital fibrinogen deficiency (MONDO:0018060) is associated with both recessive and dominant disease; Loss of function is a known mechanism of disease in this gene and is associated with congenital fibrinogen deficiency (MONDO:0018060; PMID:17295221). The disease mechanism of familial visceral amyloidosis (MIM#105200) is not yet established.

PreventionGenetics, part of Exact Sciences
Classification: Likely pathogenic for FGA-related condition. Last evaluated: 2025-06-20. Review status: criteria provided, single submitter. Criteria: ACMG Guidelines, 2015. Collection method: clinical testing. Allele origin: germline.
Comment: The FGA c.1653delT variant is predicted to result in a frameshift and premature protein termination (p.Gly552Alafs*16). This variant has been reported in the heterozygous state in an individual with hypodysfibrinogenemia (Bastida et al. 2016. PubMed ID: 26879396), in the homozygous state in an individual with a mendelian renal disorder (Supplement 4, Rasouly et al. 2018. PubMed ID: 30476936), has been associated with renal amyloidosis (Garnier et al. 2017. PubMed ID: 29089309), and noted as maternally inherited in a heterozygous state in a proband from a trio with a massive subdural hemorrhage (Hausman-Kedem et al. 2021. PubMed ID: 33527515). This variant is reported in 0.028% of alleles in individuals of Latino descent in gnomAD. Frameshift variants in FGA are expected to be pathogenic. This variant is interpreted as likely pathogenic.

3billion
Classification: Pathogenic for Familial dysfibrinogenemia. Last evaluated: 2025-04-07. Review status: criteria provided, single submitter. Criteria: ACMG Guidelines, 2015. Collection method: clinical testing. Allele origin: germline. Affected: yes.
Comment: The variant is observed at an extremely low frequency in the gnomAD v4.1.0 dataset (total allele frequency: 0.003%). Predicted Consequence/Location: Frameshift: predicted to result in a loss or disruption of normal protein function through protein truncation. Multiple pathogenic variants are reported in the predicted truncated region. The variant has been reported at least twice as pathogenic with clinical assertions and evidence for the classification (ClinVar ID: VCV001322897 / PMID: 26879396). Therefore, this variant is classified as Pathogenic according to the recommendation of ACMG/AMP guideline.

Center for Genomic Medicine, Rigshospitalet, Copenhagen University Hospital
Classification: Likely pathogenic. Last evaluated: 2025-03-04. Review status: criteria provided, single submitter. Criteria: ACMG Guidelines, 2015. Collection method: clinical testing. Allele origin: germline.

Revvity Omics, Revvity
Classification: Likely pathogenic. Last evaluated: 2023-07-27. Review status: criteria provided, single submitter. Criteria: ACMG Guidelines, 2015. Collection method: clinical testing. Allele origin: germline.

Literature cited by the submitters: PubMed 21245743 (cited by Rady Children's Institute for Genomic Medicine, Rady Children's Hospital San Diego); PubMed 26879396 (cited by 5 submitters); PubMed 33527515 (cited by Rady Children's Institute for Genomic Medicine, Rady Children's Hospital San Diego); PubMed 35488806 (cited by Rady Children's Institute for Genomic Medicine, Rady Children's Hospital San Diego); PubMed 39417966 (cited by Rady Children's Institute for Genomic Medicine, Rady Children's Hospital San Diego); PubMed 40099427 (cited by Rady Children's Institute for Genomic Medicine, Rady Children's Hospital San Diego); PubMed 37647632 (cited by Dasa); PubMed 17295221 (cited by Victorian Clinical Genetics Services, Murdoch Childrens Research Institute); PubMed 34426522 (cited by Center for Genomic Medicine, Rigshospitalet, Copenhagen University Hospital).